The following is an entry in ClinVar:

ClinVar aggregate classification (germline): Uncertain significance (1 of 4 stars; one submission).

Submission:

Labcorp Genetics (formerly Invitae), Labcorp
Classification: Uncertain significance. Last evaluated: 2022-10-24. Review status: criteria provided, single submitter. Criteria: Invitae Variant Classification Sherloc (09022015). Collection method: clinical testing. Allele origin: germline.
Comment: This variant results in a copy number gain of the genomic region encompassing exon(s) 5-9 of the LTBP4 gene. While the exact position of this variant cannot be determined from the data, sub-genic copy number gains are generally in tandem (PMID: 25640679). This variant is predicted to be in-frame, and likely preserves the integrity of the reading frame. This variant has not been reported in the literature in individuals affected with LTBP4-related conditions. In summary, the available evidence is currently insufficient to determine the role of this variant in disease. Therefore, it has been classified as a Variant of Uncertain Significance.

Literature cited by the submitters: PubMed 25640679.

NC_000019.9:g.(?_41110921)_(41112452_?)dup

Gene: LTBP4 (latent transforming growth factor beta binding protein 4; plus strand). Cytogenetic location: 19q13.2.
Variant type: Duplication.
Identifiers: ClinVar variation 1410834 (VCV001410834.4).